The following is an entry in ClinVar:

NM_004168.4(SDHA):c.1064G>A (p.Arg355Lys)

Gene: SDHA (succinate dehydrogenase complex flavoprotein subunit A; plus strand). Cytogenetic location: 5p15.33.
Variant type: single nucleotide variant.
Coding change: c.1064G>A on transcript NM_004168.4 (MANE Select); coding-DNA position 1064, G replaced by A.
Protein change: p.Arg355Lys; replaces arginine 355 with lysine.
Molecular consequence: missense variant.
Genome position (GRCh38, 1-based): chr5:233,645, G>A. VCF-style: chr5-233645-G-A. GRCh37 (hg19) VCF-style: chr5-233760-G-A.
Other names: NC_000005.9:g.233760G>A; c.1064G>A (NM_004168.2); c.920G>A, p.Arg307Lys (NM_001294332.2); c.1064G>A, p.Arg355Lys (NM_001330758.2); short protein forms R307K, R355K.
Identifiers: ClinVar variation 4315303 (VCV004315303.2).

ClinVar aggregate classification (germline): Uncertain significance (1 of 4 stars; one submission).

Conditions:
Hereditary cancer-predisposing syndrome. Also called: Neoplastic Syndromes, Hereditary; Tumor predisposition; Hereditary Cancer Syndrome; Hereditary neoplastic syndrome. Identifiers: Orphanet 140162, MedGen C0027672, MeSH D009386, MONDO:0015356.

Submissions (2):

Ambry Genetics
Classification: Uncertain significance for Hereditary cancer-predisposing syndrome. Last evaluated: 2026-07-28. Review status: criteria provided, single submitter. Criteria: Ambry Variant Classification Scheme 2023. Collection method: clinical testing. Allele origin: germline.
Comment: The p.R355K variant (also known as c.1064G>A), located in coding exon 8 of the SDHA gene, results from a G to A substitution at nucleotide position 1064. The arginine at codon 355 is replaced by lysine, an amino acid with highly similar properties. However, this change occurs in the last base pair of coding exon 8, which makes it likely to have some effect on normal mRNA splicing. In silico splice site analysis predicts that this alteration will not have any significant effect on splicing. This nucleotide position is highly conserved in available vertebrate species. This amino acid position is highly conserved in available vertebrate species. In addition, as a missense substitution this is predicted to be inconclusive by in silico analysis. Based on the available evidence, the clinical significance of this variant remains unclear.

Dr. Peter K. Rogan Lab, Western University
No classification provided (evidence only). Condition: Malignant tumor of esophagus. Review status: no classification provided. Collection method: in vitro. Allele origin: not applicable. Functional consequence: retained intron. Not counted in ClinVar's aggregate classification.